The following is an entry in ClinVar:

NM_000526.5(KRT14):c.17G>A (p.Arg6His)

Gene: KRT14 (keratin 14; minus strand). Cytogenetic location: 17q21.2.
Variant type: single nucleotide variant.
Coding change: c.17G>A on transcript NM_000526.5 (MANE Select); coding-DNA position 17, G replaced by A.
Protein change: p.Arg6His; replaces arginine 6 with histidine.
Molecular consequence: missense variant.
Genome position (GRCh38, 1-based): chr17:41,586,818, C>T on the plus strand (G>A on the coding strand, the complement: KRT14 is on the minus strand). VCF-style: chr17-41586818-C-T. GRCh37 (hg19) VCF-style: chr17-39743070-C-T.
Other names: short protein forms R6H.
Identifiers: ClinVar variation 2715248 (VCV002715248.2), dbSNP rs760882737, ClinGen allele CA8562840.

ClinVar aggregate classification (germline): Uncertain significance (1 of 4 stars; one submission).

Allele frequency attached by ClinVar (database versions not stated): gnomAD 0.00007; TOPMed 0.00008; ExAC 0.00012.

Submission:

Labcorp Genetics (formerly Invitae), Labcorp
Classification: Uncertain significance. Last evaluated: 2023-06-10. Review status: criteria provided, single submitter. Criteria: Invitae Variant Classification Sherloc (09022015). Collection method: clinical testing. Allele origin: germline.
Comment: This sequence change replaces arginine, which is basic and polar, with histidine, which is basic and polar, at codon 6 of the KRT14 protein (p.Arg6His). The frequency data for this variant in the population databases is considered unreliable, as metrics indicate poor data quality at this position in the gnomAD database. This variant has not been reported in the literature in individuals affected with KRT14-related conditions. Advanced modeling of protein sequence and biophysical properties (such as structural, functional, and spatial information, amino acid conservation, physicochemical variation, residue mobility, and thermodynamic stability) performed at Invitae indicates that this missense variant is expected to disrupt KRT14 protein function. In summary, the available evidence is currently insufficient to determine the role of this variant in disease. Therefore, it has been classified as a Variant of Uncertain Significance.